The following is an entry in ClinVar:

NM_000038.6(APC):c.289G>A (p.Gly97Arg)

Gene: APC (APC regulator of Wnt signaling pathway; plus strand). Cytogenetic location: 5q22.2.
Variant type: single nucleotide variant.
Coding change: c.289G>A on transcript NM_000038.6 (MANE Select); coding-DNA position 289, G replaced by A.
Protein change: p.Gly97Arg; replaces glycine 97 with arginine.
Molecular consequence: missense variant. On other transcripts: 5 prime UTR variant (1).
Genome position (GRCh38, 1-based): chr5:112,767,257, G>A. VCF-style: chr5-112767257-G-A. GRCh37 (hg19) VCF-style: chr5-112102954-G-A.
Other names: c.289G>A, p.Gly97Arg (NM_001127510.3, NM_001354895.2, NM_001354896.2 and 2 more transcripts); c.319G>A, p.Gly107Arg (NM_001127511.3, NM_001354897.2, NM_001354902.2); c.214G>A, p.Gly72Arg (NM_001354898.2, NM_001354904.2); c.112G>A, p.Gly38Arg (NM_001354900.2, NM_001354901.2, NM_001354905.2); c.-747G>A (NM_001354906.2); short protein forms G107R, G38R, G72R, G97R.
Identifiers: ClinVar variation 1697514 (VCV001697514.11), dbSNP rs2149788254, ClinGen allele CA16021961.

ClinVar aggregate classification (germline): Pathogenic. Review status: criteria provided, single submitter (1 of 4 stars). 2 submissions from 2 submitters: Pathogenic (1). 1 of the submissions does not count toward it. Last evaluated 2025-03-04.

Conditions:
Familial multiple polyposis syndrome (FAP). Also called: Familial adenomatous polyposis; Familial intestinal polyposis; Familial polyposis; Classic familial adenomatous polyposis; Familial Adenomatous Polyposis (FAP). Identifiers: Orphanet 733, MedGen C0032580, MONDO:0021055. Disease mechanism: loss of function.

Submissions (2):

Center for Genomic Medicine, Rigshospitalet, Copenhagen University Hospital
Classification: Pathogenic. Last evaluated: 2025-03-04. Review status: criteria provided, single submitter. Criteria: ACMG Guidelines, 2015. Collection method: clinical testing. Allele origin: germline.

Department of Clinical Genetics, Copenhagen University Hospital, Rigshospitalet
Classification: Pathogenic for Familial multiple polyposis syndrome. Last evaluated: 2023-06-22. Review status: no assertion criteria provided. Collection method: clinical testing. Allele origin: germline. Inheritance: Autosomal dominant inheritance. Affected: yes. Observed: 6 variant alleles, 6 heterozygotes. Not counted in ClinVar's aggregate classification.
Comment: The following ACMG criteria is used: PVS1 (RNA), PM2_Supporting (not reported in gnomAD), PP1 (segregation analysis)

Literature cited by the submitters: PubMed 32292534 (cited by Center for Genomic Medicine, Rigshospitalet, Copenhagen University Hospital and Department of Clinical Genetics, Copenhagen University Hospital, Rigshospitalet).